The following is an entry in ClinVar:

NM_001048174.2(MUTYH):c.707G>A (p.Gly236Asp)

Gene: MUTYH (mutY DNA glycosylase; minus strand). Cytogenetic location: 1p34.1.
Variant type: single nucleotide variant.
Coding change: c.707G>A on transcript NM_001048174.2 (MANE Select); coding-DNA position 707, G replaced by A.
Protein change: p.Gly236Asp; replaces glycine 236 with aspartic acid.
Molecular consequence: missense variant. On other transcripts: non-coding transcript variant (2).
Genome position (GRCh38, 1-based): chr1:45,332,308, C>T on the plus strand (G>A on the coding strand, the complement: MUTYH is on the minus strand). VCF-style: chr1-45332308-C-T. GRCh37 (hg19) VCF-style: chr1-45797980-C-T.
Other names: c.707G>A, p.Gly236Asp (NM_001048171.2, NM_001048173.2, NM_001293195.2); c.710G>A, p.Gly237Asp (NM_001048172.2); c.791G>A, p.Gly264Asp (NM_001128425.2); c.752G>A, p.Gly251Asp (NM_001293190.2); c.740G>A, p.Gly247Asp (NM_001293191.2); c.431G>A, p.Gly144Asp (NM_001293192.2, NM_001293196.2); c.362G>A, p.Gly121Asp (NM_001350650.2, NM_001350651.2); c.782G>A, p.Gly261Asp (NM_012222.3); short protein forms G121D, G144D, G236D, G237D, G247D, G251D, G261D, G264D.
Identifiers: ClinVar variation 1315387 (VCV001315387.9), dbSNP rs1570404090, ClinGen allele CA340134725.
Genomic context (GRCh38, chr1:45,332,308, plus strand): 5'-TCCATGGCTGCTTGGTTGAAATCTCCTGGCCGGGCTGGGTCCACCAGCTGCTGGGCTAGA[C>T]CCCTAAAAGAAGGGAACACTGCTGTGAAGCAGAGCTCCTTTGCAGACACCCCTGAAGCAC-3'
Protein context (NP_001041639.1, residues 226-246): SSTLVSQQLW[Gly236Asp]LAQQLVDPAR

ClinVar aggregate classification (germline): Conflicting classifications of pathogenicity. Review status: criteria provided, conflicting classifications (1 of 4 stars). 3 submissions from 3 submitters: Uncertain significance (2); Benign (1). Last evaluated 2025-09-16.

Conditions:
Familial adenomatous polyposis 2. Also called: MYH-associated polyposis; FAP type 2; MUTYH-associated polyposis; MUTYH-related attenuated familial adenomatous polyposis; Adenomas, multiple colorectal; COLORECTAL ADENOMATOUS POLYPOSIS, AUTOSOMAL RECESSIVE. Identifiers: Orphanet 220460, Orphanet 247798, MedGen C3272841, MONDO:0012041, OMIM 608456.
Hereditary cancer-predisposing syndrome. Also called: Neoplastic Syndromes, Hereditary; Tumor predisposition; Hereditary Cancer Syndrome; Hereditary neoplastic syndrome. Identifiers: Orphanet 140162, MedGen C0027672, MeSH D009386, MONDO:0015356.

Submissions (3):

Ambry Genetics
Classification: Benign for Hereditary cancer-predisposing syndrome. Last evaluated: 2025-09-16. Review status: criteria provided, single submitter. Criteria: Ambry Variant Classification Scheme 2023. Collection method: clinical testing. Allele origin: germline.

Labcorp Genetics (formerly Invitae), Labcorp
Classification: Uncertain significance for Familial adenomatous polyposis 2. Last evaluated: 2022-07-19. Review status: criteria provided, single submitter. Criteria: Invitae Variant Classification Sherloc (09022015). Collection method: clinical testing. Allele origin: germline.
Comment: In summary, the available evidence is currently insufficient to determine the role of this variant in disease. Therefore, it has been classified as a Variant of Uncertain Significance. Algorithms developed to predict the effect of missense changes on protein structure and function (SIFT, PolyPhen-2, Align-GVGD) all suggest that this variant is likely to be tolerated. ClinVar contains an entry for this variant (Variation ID: 1315387). This variant has not been reported in the literature in individuals affected with MUTYH-related conditions. This variant is not present in population databases (gnomAD no frequency). This sequence change replaces glycine, which is neutral and non-polar, with aspartic acid, which is acidic and polar, at codon 264 of the MUTYH protein (p.Gly264Asp).

GeneDx
Classification: Uncertain significance. Last evaluated: 2020-02-05. Review status: criteria provided, single submitter. Criteria: GeneDx Variant Classification Process June 2021. Collection method: clinical testing. Allele origin: germline. Affected: yes.
Comment: Not observed in large population cohorts (Lek 2016); In silico analysis supports that this missense variant does not alter protein structure/function; Has not been previously published as pathogenic or benign to our knowledge